The following is an entry in ClinVar:

ClinVar aggregate classification (germline): Conflicting classifications of pathogenicity. Review status: criteria provided, conflicting classifications (1 of 4 stars). 3 submissions from 3 submitters: Uncertain significance (2); Likely benign (1). Last evaluated 2025-12-12.

Conditions:
Hereditary breast ovarian cancer syndrome. Also called: Hereditary breast and ovarian cancer; Hereditary breast and ovarian cancer syndrome; Breast and ovarian cancer; BRCA1- and BRCA2-Associated Hereditary Breast and Ovarian Cancer; Hereditary breast and ovarian cancer syndrome (HBOC); Hereditary breast and/or ovarian cancer syndrome. Identifiers: Orphanet 145, MedGen C0677776, MeSH D061325, MONDO:0003582. Disease mechanism: loss of function.
Hereditary cancer-predisposing syndrome. Also called: Hereditary Cancer Syndrome; Hereditary neoplastic syndrome; Tumor predisposition; Neoplastic Syndromes, Hereditary. Identifiers: Orphanet 140162, MedGen C0027672, MeSH D009386, MONDO:0015356.

Allele frequency attached by ClinVar (database versions not stated): gnomAD exomes below 0.00001.
gnomAD v4.1: 3 of 1,613,986 alleles (0.00019%); highest among the groups gnomAD compares: Non-Finnish European, 0.00025%; no homozygotes.

Submissions (3):

Ambry Genetics
Classification: Uncertain significance for Hereditary cancer-predisposing syndrome. Last evaluated: 2025-12-12. Review status: criteria provided, single submitter. Criteria: Ambry Variant Classification Scheme 2023. Collection method: clinical testing. Allele origin: germline.
Comment: The p.E2260G variant (also known as c.6779A>G), located in coding exon 10 of the BRCA2 gene, results from an A to G substitution at nucleotide position 6779. The glutamic acid at codon 2260 is replaced by glycine, an amino acid with similar properties. This alteration was detected in a cohort of 690 patients with myeloid malignancy (Li ST et al. Leukemia, 2020 06;34:1675-1678). This amino acid position is not well conserved in available vertebrate species. In addition, the in silico prediction for this alteration is inconclusive. Since supporting evidence is limited at this time, the clinical significance of this alteration remains unclear.

Labcorp Genetics (formerly Invitae), Labcorp
Classification: Uncertain significance for Hereditary breast ovarian cancer syndrome. Last evaluated: 2023-10-13. Review status: criteria provided, single submitter. Criteria: Invitae Variant Classification Sherloc (09022015). Collection method: clinical testing. Allele origin: germline.
Comment: This sequence change replaces glutamic acid, which is acidic and polar, with glycine, which is neutral and non-polar, at codon 2260 of the BRCA2 protein (p.Glu2260Gly). This variant is not present in population databases (gnomAD no frequency). This variant has not been reported in the literature in individuals affected with BRCA2-related conditions. ClinVar contains an entry for this variant (Variation ID: 1397693). Advanced modeling of protein sequence and biophysical properties (such as structural, functional, and spatial information, amino acid conservation, physicochemical variation, residue mobility, and thermodynamic stability) performed at Invitae indicates that this missense variant is not expected to disrupt BRCA2 protein function. In summary, the available evidence is currently insufficient to determine the role of this variant in disease. Therefore, it has been classified as a Variant of Uncertain Significance.

University of Washington Department of Laboratory Medicine, University of Washington
Classification: Likely benign for Hereditary cancer-predisposing syndrome. Last evaluated: 2023-03-23. Review status: criteria provided, single submitter. Criteria: Dines et al. (Genet Med. 2020). Collection method: curation. Allele origin: germline.
Comment: Missense variant in a coldspot region where missense variants are very unlikely to be pathogenic (PMID:31911673).

BRCA2 exon 11 coldspot. Reclassification based on statistical prior probability.

Literature cited by the submitters: PubMed 31911633 (cited by Ambry Genetics).

NM_000059.4(BRCA2):c.6779A>G (p.Glu2260Gly)

Gene: BRCA2 (BRCA2 DNA repair associated; plus strand). Cytogenetic location: 13q13.1.
Variant type: single nucleotide variant.
Coding change: c.6779A>G on transcript NM_000059.4 (MANE Select); coding-DNA position 6779, A replaced by G.
Protein change: p.Glu2260Gly; replaces glutamic acid 2260 with glycine.
Molecular consequence: missense variant.
Genome position (GRCh38, 1-based): chr13:32,341,134, A>G. VCF-style: chr13-32341134-A-G. GRCh37 (hg19) VCF-style: chr13-32915271-A-G.
Other names: c.6779A>G (NM_000059.3); short protein forms E2260G.
Identifiers: ClinVar variation 1397693 (VCV001397693.11), dbSNP rs2137530621, ClinGen allele CA387791259.
Genomic context (GRCh38, chr13:32,341,134, plus strand): 5'-TGACAGATTCTAAACTGCCAAGTCATGCCACACATTCTCTTTTTACATGTCCCGAAAATG[A>G]GGAAATGGTTTTGTCAAATTCAAGAATTGGAAAAAGAAGAGGAGAGCCCCTTATCTTAGT-3'
Protein context (NP_000050.3, residues 2250-2270): THSLFTCPEN[Glu2260Gly]EMVLSNSRIG